The following is an entry in ClinVar:

ClinVar aggregate classification (germline): Uncertain significance (1 of 4 stars; one submission).

Allele frequency attached by ClinVar (database versions not stated): gnomAD exomes below 0.00001.
gnomAD v4.1: 2 of 1,614,064 alleles (0.00012%); highest among the groups gnomAD compares: Non-Finnish European, 0.00017%; no homozygotes.

Submission:

Labcorp Genetics (formerly Invitae), Labcorp
Classification: Uncertain significance. Last evaluated: 2021-05-06. Review status: criteria provided, single submitter. Criteria: Invitae Variant Classification Sherloc (09022015). Collection method: clinical testing. Allele origin: germline.
Comment: This sequence change replaces histidine with tyrosine at codon 604 of the MAP3K20 protein (p.His604Tyr). The histidine residue is weakly conserved and there is a moderate physicochemical difference between histidine and tyrosine. This variant is not present in population databases (ExAC no frequency). This variant has not been reported in the literature in individuals with MAP3K20-related conditions. Experimental studies and prediction algorithms are not available or were not evaluated, and the functional significance of this variant is currently unknown. In summary, the available evidence is currently insufficient to determine the role of this variant in disease. Therefore, it has been classified as a Variant of Uncertain Significance.

NM_016653.3(MAP3K20):c.1810C>T (p.His604Tyr)

Genes: MAP3K20 (mitogen-activated protein kinase kinase kinase 20; plus strand), MAP3K20-AS1 (MAP3K20 antisense RNA 1; minus strand). Cytogenetic location: 2q31.1.
Variant type: single nucleotide variant.
Coding change: c.1810C>T on transcript NM_016653.3 (MANE Select); coding-DNA position 1810, C replaced by T.
Protein change: p.His604Tyr; replaces histidine 604 with tyrosine.
Molecular consequence: missense variant.
Genome position (GRCh38, 1-based): chr2:173,266,157, C>T. VCF-style: chr2-173266157-C-T. GRCh37 (hg19) VCF-style: chr2-174130885-C-T.
Other names: short protein forms H604Y.
Identifiers: ClinVar variation 1351933 (VCV001351933.1), dbSNP rs2106361071, ClinGen allele CA349317191.
Genomic context (GRCh38, chr2:173,266,157, plus strand): 5'-TCCAACACTTCTTTACAGCGTTCCCAGAGCAATCCTATTCTGGGGTCACCGTTCTTCTCA[C>T]ACTTTGATGGCCAGGATTCCTACGCTGCTGCTGTGAGACGGCCCCAGGTGCCCATTAAGT-3'
Protein context (NP_057737.2, residues 594-614): NPILGSPFFS[His604Tyr]FDGQDSYAAA